The following is an entry in ClinVar:

NM_012123.4(MTO1):c.1997G>C (p.Arg666Pro)

Gene: MTO1 (mitochondrial tRNA translation optimization 1; plus strand). Cytogenetic location: 6q13.
Variant type: single nucleotide variant.
Coding change: c.1997G>C on transcript NM_012123.4 (MANE Select); coding-DNA position 1997, G replaced by C.
Protein change: p.Arg666Pro; replaces arginine 666 with proline.
Molecular consequence: missense variant.
Genome position (GRCh38, 1-based): chr6:73,500,653, G>C. VCF-style: chr6-73500653-G-C. GRCh37 (hg19) VCF-style: chr6-74210376-G-C.
Other names: c.2117G>C, p.Arg706Pro (NM_001123226.2); c.2072G>C, p.Arg691Pro (NM_133645.3); short protein forms R706P, R666P, R691P.
Identifiers: ClinVar variation 1371265 (VCV001371265.6), dbSNP rs1772134598, ClinGen allele CA364701933.

ClinVar aggregate classification (germline): Uncertain significance (1 of 4 stars; one submission).

Conditions:
Mitochondrial hypertrophic cardiomyopathy with lactic acidosis due to MTO1 deficiency. Also called: CARDIOMYOPATHY, INFANTILE HYPERTROPHIC MITOCHONDRIAL, AND LACTIC ACIDOSIS; Combined oxidative phosphorylation deficiency 10. Identifiers: Orphanet 314637, MedGen C4749921, MONDO:0013865, OMIM 614702.

Submission:

Labcorp Genetics (formerly Invitae), Labcorp
Classification: Uncertain significance for Mitochondrial hypertrophic cardiomyopathy with lactic acidosis due to MTO1 deficiency. Last evaluated: 2022-10-13. Review status: criteria provided, single submitter. Criteria: Invitae Variant Classification Sherloc (09022015). Collection method: clinical testing. Allele origin: germline.
Comment: In summary, the available evidence is currently insufficient to determine the role of this variant in disease. Therefore, it has been classified as a Variant of Uncertain Significance. Algorithms developed to predict the effect of missense changes on protein structure and function (SIFT, PolyPhen-2, Align-GVGD) all suggest that this variant is likely to be tolerated. ClinVar contains an entry for this variant (Variation ID: 1371265). This variant has not been reported in the literature in individuals affected with MTO1-related conditions. This variant is not present in population databases (gnomAD no frequency). This sequence change replaces arginine, which is basic and polar, with proline, which is neutral and non-polar, at codon 666 of the MTO1 protein (p.Arg666Pro).